The following is an entry in ClinVar:

ClinVar aggregate classification (germline): Conflicting classifications of pathogenicity. Review status: criteria provided, conflicting classifications (1 of 4 stars). 9 submissions from 9 submitters: Uncertain significance (6); Benign (1); Likely benign (1). 1 of the submissions does not count toward it. Last evaluated 2026-04-20.

Conditions:
Inborn genetic diseases. Identifiers: MedGen C0950123, MeSH D030342.
Nemaline myopathy 2 (NEM2). Also called: Nemaline myopathy 2, autosomal recessive. Identifiers: MedGen C1850569, MONDO:0009725, OMIM 256030.

Allele frequency attached by ClinVar (database versions not stated): gnomAD 0.00039 and 0.00043; TOPMed 0.00039; gnomAD exomes 0.00041; ExAC 0.00043; 1000 Genomes Project 30x 0.00062; 1000 Genomes Project 0.00080; ESP Exome Variant Server 0.00091.
gnomAD v4.1: 1,020 of 1,613,784 alleles (0.063%); highest among the groups gnomAD compares: Non-Finnish European, 0.084%; 3 homozygotes.

Submissions (9):

GeneDx
Classification: Uncertain significance. Last evaluated: 2026-04-20. Review status: criteria provided, single submitter. Criteria: GeneDx Variant Classification Process June 2021. Collection method: clinical testing. Allele origin: germline.
Comment: In silico analysis supports that this missense variant has a deleterious effect on protein structure/function; Has not been previously published as pathogenic or benign to our knowledge

Labcorp Genetics (formerly Invitae), Labcorp
Classification: Benign for Nemaline myopathy 2. Last evaluated: 2026-01-28. Review status: criteria provided, single submitter. Criteria: Invitae Variant Classification Sherloc (09022015). Collection method: clinical testing. Allele origin: germline.

Ambry Genetics
Classification: Uncertain significance for Inborn genetic diseases. Last evaluated: 2025-04-07. Review status: criteria provided, single submitter. Criteria: Ambry Variant Classification Scheme 2023. Collection method: clinical testing. Allele origin: germline.

CeGaT Center for Human Genetics Tuebingen
Classification: Likely benign. Last evaluated: 2025-04-01. Review status: criteria provided, single submitter. Criteria: CeGaT Center For Human Genetics Tuebingen Variant Classification Criteria Version 2. Collection method: clinical testing. Allele origin: germline. Affected: yes. Observed: 1 variant allele.
Comment: NEB: BS2

Revvity Omics, Revvity
Classification: Uncertain significance. Last evaluated: 2024-10-23. Review status: criteria provided, single submitter. Criteria: ACMG Guidelines, 2015. Collection method: clinical testing. Allele origin: germline.

Baylor Genetics
Classification: Uncertain significance for Nemaline myopathy 2. Last evaluated: 2019-04-16. Review status: criteria provided, single submitter. Criteria: ACMG Guidelines, 2015. Collection method: clinical testing. Allele origin: paternal. Affected: yes.
Comment: This variant was determined to be of uncertain significance according to ACMG Guidelines, 2015 [PMID:25741868].

Mayo Clinic Laboratories, Mayo Clinic
Classification: Uncertain significance for Nemaline myopathy 2. Last evaluated: 2017-01-11. Review status: criteria provided, single submitter. Criteria: ACMG Guidelines, 2015. Collection method: clinical testing. Allele origin: maternal.

Breakthrough Genomics
Classification: Uncertain significance. Review status: criteria provided, single submitter. Criteria: ACMG Guidelines, 2015. Collection method: not provided. Allele origin: germline. Inheritance: Autosomal recessive inheritance. Affected: yes.

Natera, Inc.
Classification: Uncertain significance for Nemaline myopathy type 2. Last evaluated: 2020-01-17. Review status: no assertion criteria provided. Collection method: clinical testing. Allele origin: germline. Not counted in ClinVar's aggregate classification.

NM_001164508.2(NEB):c.5503C>T (p.Arg1835Trp)

Gene: NEB (nebulin; minus strand). Cytogenetic location: 2q23.3.
Variant type: single nucleotide variant.
Coding change: c.5503C>T on transcript NM_001164508.2 (MANE Select); coding-DNA position 5503, C replaced by T.
Protein change: p.Arg1835Trp; replaces arginine 1835 with tryptophan.
Molecular consequence: missense variant.
Genome position (GRCh38, 1-based): chr2:151,663,808, G>A on the plus strand (C>T on the coding strand, the complement: NEB is on the minus strand). VCF-style: chr2-151663808-G-A. GRCh37 (hg19) VCF-style: chr2-152520322-G-A.
Other names: c.5503C>T (NM_004543.4); c.5503C>T, p.Arg1835Trp (NM_001164507.2, NM_001271208.2, NM_004543.5); short protein forms R1835W.
Identifiers: ClinVar variation 465614 (VCV000465614.29), dbSNP rs199694315, ClinGen allele CA1910349.
Genomic context (GRCh38, chr2:151,663,808, plus strand): 5'-CTGACTGCATCTTGGCCACTTGCATGAAGTGCACCAGCTTGGGGTCATCTTCCAGGCTCC[G>A]GAAGCCAATGTGTTTCCCTTTGGCTTGTTCATAGGCTTTCTTGTATTTGTACTGTGGACA-3'
Protein context (NP_001157980.2, residues 1825-1845): EQAKGKHIGF[Arg1835Trp]SLEDDPKLVH